The following is an entry in ClinVar:

ClinVar aggregate classification (germline): Uncertain significance (1 of 4 stars; one submission).

Conditions:
Inborn genetic diseases. Identifiers: MedGen C0950123, MeSH D030342.

Submission:

Ambry Genetics
Classification: Uncertain significance for Inborn genetic diseases. Last evaluated: 2021-08-10. Review status: criteria provided, single submitter. Criteria: Ambry Variant Classification Scheme 2023. Collection method: clinical testing. Allele origin: germline.
Comment: The p.I273L variant (also known as c.817A>C), located in coding exon 4 of the PIK3CA gene, results from an A to C substitution at nucleotide position 817. The isoleucine at codon 273 is replaced by leucine, an amino acid with highly similar properties. This amino acid position is conserved. In addition, this alteration is predicted to be tolerated by in silico analysis. Since supporting evidence is limited at this time, the clinical significance of this alteration remains unclear.

NM_006218.4(PIK3CA):c.817A>C (p.Ile273Leu)

Gene: PIK3CA (phosphatidylinositol-4,5-bisphosphate 3-kinase catalytic subunit alpha; plus strand). Cytogenetic location: 3q26.32.
Variant type: single nucleotide variant.
Coding change: c.817A>C on transcript NM_006218.4 (MANE Select); coding-DNA position 817, A replaced by C.
Protein change: p.Ile273Leu; replaces isoleucine 273 with leucine.
Molecular consequence: missense variant.
Genome position (GRCh38, 1-based): chr3:179,203,547, A>C. VCF-style: chr3-179203547-A-C. GRCh37 (hg19) VCF-style: chr3-178921335-A-C.
Other names: short protein forms I273L.
Identifiers: ClinVar variation 1762303 (VCV001762303.2), dbSNP rs765030404, ClinGen allele CA355279586.
Genomic context (GRCh38, chr3:179,203,547, plus strand): 5'-TTACTTTTAAAATGAAAAACCTTACAGGAAATGGCTCGCCCCCTTAATCTCTTACAGTAT[A>C]TAAGAAGCTGTATAATGCTTGGGAGGATGCCCAATTTGATGTTGATGGCTAAAGAAAGCC-3'
Protein context (NP_006209.2, residues 263-283): EKYPLSQYKY[Ile273Leu]RSCIMLGRMP